The following is an entry in ClinVar:

ClinVar aggregate classification (germline): Likely pathogenic (1 of 4 stars; one submission).

Conditions:
Wolman disease (WOLD). Also called: Acid cholesteryl ester hydrolase deficiency, Wolman type; Acid lipase disease; LYSOSOMAL ACID LIPASE DEFICIENCY, ACUTE INFANTILE; LYSOSOMAL ACID LIPASE DEFICIENCY, COMPLETE; LIPA DEFICIENCY, COMPLETE; LAL DEFICIENCY, COMPLETE. Identifiers: Orphanet 75233, MedGen C0043208, MONDO:0019148, OMIM 620151.

Submission:

Labcorp Genetics (formerly Invitae), Labcorp
Classification: Likely pathogenic for Wolman disease. Last evaluated: 2025-06-23. Review status: criteria provided, single submitter. Criteria: Invitae Variant Classification Sherloc (09022015). Collection method: clinical testing. Allele origin: germline.
Comment: This sequence change replaces aspartic acid, which is acidic and polar, with valine, which is neutral and non-polar, at codon 382 of the LIPA protein (p.Asp382Val). This variant is not present in population databases (gnomAD no frequency). This missense change has been observed in individual(s) with clinical features of cholesteryl ester storage disease (internal data). In at least one individual the data is consistent with being in trans (on the opposite chromosome) from a pathogenic variant. ClinVar contains an entry for this variant (Variation ID: 2139863). Invitae Evidence Modeling of protein sequence and biophysical properties (such as structural, functional, and spatial information, amino acid conservation, physicochemical variation, residue mobility, and thermodynamic stability) indicates that this missense variant is expected to disrupt LIPA protein function with a positive predictive value of 95%. In summary, the currently available evidence indicates that the variant is pathogenic, but additional data are needed to prove that conclusively. Therefore, this variant has been classified as Likely Pathogenic.

NM_000235.4(LIPA):c.1145A>T (p.Asp382Val)

Gene: LIPA (lipase A, lysosomal acid type; minus strand). Cytogenetic location: 10q23.31.
Variant type: single nucleotide variant.
Coding change: c.1145A>T on transcript NM_000235.4 (MANE Select); coding-DNA position 1145, A replaced by T.
Protein change: p.Asp382Val; replaces aspartic acid 382 with valine.
Molecular consequence: missense variant.
Genome position (GRCh38, 1-based): chr10:89,214,883, T>A on the plus strand (A>T on the coding strand, the complement: LIPA is on the minus strand). VCF-style: chr10-89214883-T-A. GRCh37 (hg19) VCF-style: chr10-90974640-T-A.
Other names: c.1145A>T, p.Asp382Val (NM_001127605.3); c.797A>T, p.Asp266Val (NM_001288979.2); short protein forms D382V, D266V.
Identifiers: ClinVar variation 2139863 (VCV002139863.4), dbSNP rs1842601409, ClinGen allele CA377516040.